The following is an entry in ClinVar:

NM_004006.3(DMD):c.10852C>G (p.Leu3618Val)

Gene: DMD (dystrophin; minus strand). Cytogenetic location: Xp21.2.
Variant type: single nucleotide variant.
Coding change: c.10852C>G on transcript NM_004006.3 (MANE Select); coding-DNA position 10852, C replaced by G.
Protein change: p.Leu3618Val; replaces leucine 3618 with valine.
Molecular consequence: missense variant.
Genome position (GRCh38, 1-based): chrX:31,146,360, G>C on the plus strand (C>G on the coding strand, the complement: DMD is on the minus strand). VCF-style: chrX-31146360-G-C. GRCh37 (hg19) VCF-style: chrX-31164477-G-C.
Other names: c.10828C>G, p.Leu3610Val (NM_000109.4); c.10840C>G, p.Leu3614Val (NM_004009.3); c.10483C>G, p.Leu3495Val (NM_004010.3); c.6829C>G, p.Leu2277Val (NM_004011.4); c.6820C>G, p.Leu2274Val (NM_004012.4); c.3472C>G, p.Leu1158Val (NM_004013.3, NM_004021.3); c.2665C>G, p.Leu889Val (NM_004014.3); c.1648C>G, p.Leu550Val (NM_004015.3, NM_004016.3); and 3 more; short protein forms L3495V, L3618V, L1158V, L2274V, L537V, L550V, L1048V, L2277V.
Identifiers: ClinVar variation 4842491 (VCV004842491.1).

ClinVar aggregate classification (germline): Uncertain significance (1 of 4 stars; one submission).

Conditions:
Cardiovascular phenotype. Identifiers: MedGen CN230736.

Submission:

Ambry Genetics
Classification: Uncertain significance for Cardiovascular phenotype. Last evaluated: 2025-12-16. Review status: criteria provided, single submitter. Criteria: Ambry Variant Classification Scheme 2023. Collection method: clinical testing. Allele origin: germline.
Comment: The p.L3618V variant (also known as c.10852C>G), located in coding exon 76 of the DMD gene, results from a C to G substitution at nucleotide position 10852. The leucine at codon 3618 is replaced by valine, an amino acid with highly similar properties. This amino acid position is conserved. In addition, this alteration is predicted to be tolerated by in silico analysis. Based on the available evidence, the clinical significance of this variant remains unclear.